The following is an entry in ClinVar:

NM_000038.6(APC):c.1351T>A (p.Cys451Ser)

Gene: APC (APC regulator of WNT signaling pathway; plus strand). Cytogenetic location: 5q22.2.
Variant type: single nucleotide variant.
Coding change: c.1351T>A on transcript NM_000038.6 (MANE Select); coding-DNA position 1351, T replaced by A.
Protein change: p.Cys451Ser; replaces cysteine 451 with serine.
Molecular consequence: missense variant. On other transcripts: non-coding transcript variant (2).
Genome position (GRCh38, 1-based): chr5:112,821,934, T>A. VCF-style: chr5-112821934-T-A. GRCh37 (hg19) VCF-style: chr5-112157631-T-A.
Other names: c.1351T>A, p.Cys451Ser (NM_001127510.3, NM_001354895.2, NM_001354896.2 and 4 more transcripts); c.1297T>A, p.Cys433Ser (NM_001127511.3); c.1381T>A, p.Cys461Ser (NM_001354897.2, NM_001407446.1); c.1276T>A, p.Cys426Ser (NM_001354898.2, NM_001407451.1); c.1267T>A, p.Cys423Ser (NM_001354899.2, NM_001407452.1); c.1174T>A, p.Cys392Ser (NM_001354900.2, NM_001354901.2, NM_001407453.1); c.1078T>A, p.Cys360Ser (NM_001354902.2); c.1048T>A, p.Cys350Ser (NM_001354903.2, NM_001407454.1, NM_001407455.1 and 5 more transcripts); and 5 more; short protein forms C168S, C291S, C322S, C325S, C350S, C360S, C392S, C423S.
Identifiers: ClinVar variation 3386230 (VCV003386230.1).

ClinVar aggregate classification (germline): Uncertain significance (1 of 4 stars; one submission).

Conditions:
Classic or attenuated familial adenomatous polyposis. Identifiers: MedGen CN372698, MONDO:0021057.

Submission:

All of Us Research Program, National Institutes of Health
Classification: Uncertain significance for Classic or attenuated familial adenomatous polyposis. Last evaluated: 2024-08-06. Review status: criteria provided, single submitter. Criteria: ACMG Guidelines, 2015. Collection method: clinical testing. Allele origin: germline. Inheritance: Autosomal dominant inheritance. Observed: 1 variant allele, 1 heterozygote.
Comment: This study involves interpretation of variants in research participants for the purpose of population health screening. Participant phenotype was not available at the time of variant classification. Additional details can be found in publication PMID: 35346344, PMCID: PMC8962531